The following is an entry in ClinVar:

NM_152703.5(SAMD9L):c.1353G>T (p.Met451Ile)

Gene: SAMD9L (sterile alpha motif domain containing 9 like; minus strand). Cytogenetic location: 7q21.2.
Variant type: single nucleotide variant.
Coding change: c.1353G>T on transcript NM_152703.5 (MANE Select); coding-DNA position 1353, G replaced by T.
Protein change: p.Met451Ile; replaces methionine 451 with isoleucine.
Molecular consequence: missense variant.
Genome position (GRCh38, 1-based): chr7:93,134,619, C>A on the plus strand (G>T on the coding strand, the complement: SAMD9L is on the minus strand). VCF-style: chr7-93134619-C-A. GRCh37 (hg19) VCF-style: chr7-92763932-C-A.
Other names: c.1353G>T, p.Met451Ile (NM_001303496.3, NM_001303497.3, NM_001303498.3 and 5 more transcripts); short protein forms M451I.
Identifiers: ClinVar variation 3949796 (VCV003949796.1).

ClinVar aggregate classification (germline): Uncertain significance (1 of 4 stars; one submission).

Conditions:
Inborn genetic diseases. Identifiers: MedGen C0950123, MeSH D030342.

Submission:

Ambry Genetics
Classification: Uncertain significance for Inborn genetic diseases. Last evaluated: 2025-04-02. Review status: criteria provided, single submitter. Criteria: Ambry Variant Classification Scheme 2023. Collection method: clinical testing. Allele origin: germline.
Comment: The p.M451I variant (also known as c.1353G>T), located in coding exon 1 of the SAMD9L gene, results from a G to T substitution at nucleotide position 1353. The methionine at codon 451 is replaced by isoleucine, an amino acid with highly similar properties. This amino acid position is conserved. In addition, this alteration is predicted to be tolerated by in silico analysis. Based on the available evidence, the clinical significance of this variant remains unclear.